The following is an entry in ClinVar:

ClinVar aggregate classification (germline): Uncertain significance (1 of 4 stars; one submission).

Conditions:
Combined immunodeficiency due to DOCK8 deficiency (HIES2). Also called: HYPER-IgE SYNDROME 2, AUTOSOMAL RECESSIVE, WITH RECURRENT INFECTIONS; DOCK8 Deficiency; HIES autosomal recessive; Hyper-IgE recurrent infection syndrome, autosomal recessive; HYPER-IgE RECURRENT INFECTION SYNDROME 2, AUTOSOMAL RECESSIVE. Identifiers: Orphanet 217390, MedGen C4722305, MONDO:0009478, OMIM 243700.

Submission:

Labcorp Genetics (formerly Invitae), Labcorp
Classification: Uncertain significance for Combined immunodeficiency due to DOCK8 deficiency. Last evaluated: 2025-03-06. Review status: criteria provided, single submitter. Criteria: Invitae Variant Classification Sherloc (09022015). Collection method: clinical testing. Allele origin: germline.
Comment: This sequence change replaces glycine, which is neutral and non-polar, with serine, which is neutral and polar, at codon 1743 of the DOCK8 protein (p.Gly1743Ser). This variant is not present in population databases (gnomAD no frequency). This variant has not been reported in the literature in individuals affected with DOCK8-related conditions. Invitae Evidence Modeling of protein sequence and biophysical properties (such as structural, functional, and spatial information, amino acid conservation, physicochemical variation, residue mobility, and thermodynamic stability) indicates that this missense variant is not expected to disrupt DOCK8 protein function with a negative predictive value of 80%. In summary, the available evidence is currently insufficient to determine the role of this variant in disease. Therefore, it has been classified as a Variant of Uncertain Significance.

NM_203447.4(DOCK8):c.5227G>A (p.Gly1743Ser)

Gene: DOCK8 (dedicator of cytokinesis 8; plus strand). Cytogenetic location: 9p24.3.
Variant type: single nucleotide variant.
Coding change: c.5227G>A on transcript NM_203447.4 (MANE Select); coding-DNA position 5227, G replaced by A.
Protein change: p.Gly1743Ser; replaces glycine 1743 with serine.
Molecular consequence: missense variant.
Genome position (GRCh38, 1-based): chr9:441,289, G>A. VCF-style: chr9-441289-G-A. GRCh37 (hg19) VCF-style: chr9-441289-G-A.
Other names: c.4927G>A, p.Gly1643Ser (NM_001190458.2); c.5023G>A, p.Gly1675Ser (NM_001193536.2); short protein forms G1675S, G1743S, G1643S.
Identifiers: ClinVar variation 4743872 (VCV004743872.1).